The following is an entry in ClinVar:

NM_003235.5(TG):c.2276A>G (p.Tyr759Cys)

Gene: TG (thyroglobulin; plus strand). Cytogenetic location: 8q24.22.
Variant type: single nucleotide variant.
Coding change: c.2276A>G on transcript NM_003235.5 (MANE Select); coding-DNA position 2276, A replaced by G.
Protein change: p.Tyr759Cys; replaces tyrosine 759 with cysteine.
Molecular consequence: missense variant.
Genome position (GRCh38, 1-based): chr8:132,888,083, A>G. VCF-style: chr8-132888083-A-G. GRCh37 (hg19) VCF-style: chr8-133900328-A-G.
Other names: short protein forms Y759C.
Identifiers: ClinVar variation 1028099 (VCV001028099.1), dbSNP rs766295732, ClinGen allele CA4883369.
Genomic context (GRCh38, chr8:132,888,083, plus strand): 5'-TCAGGACGGTGCAGGCCCTGCTCTCTAACTCCAGCATGCTACCCACCCTTTCCGACACCT[A>G]CATCCCACAGTGCAGCACCGATGGGCAGTGGAGACAAGTGCAATGCAATGGGCCTCCTGA-3'
Protein context (NP_003226.4, residues 749-769): SSMLPTLSDT[Tyr759Cys]IPQCSTDGQW

ClinVar aggregate classification (germline): Uncertain significance (1 of 4 stars; one submission).

Conditions:
Iodotyrosyl coupling defect (TDH3). Also called: HYPOTHYROIDISM, CONGENITAL, DUE TO DYSHORMONOGENESIS, 3; THYROID HORMONOGENESIS, GENETIC DEFECT IN, 3. Identifiers: Orphanet 95716, MedGen C0342194, MONDO:0010135, OMIM 274700.

Allele frequency attached by ClinVar (database versions not stated): gnomAD 0.00001; gnomAD exomes 0.00001 and 0.00002; TOPMed 0.00001; ExAC 0.00002.
gnomAD v4.1: 24 of 1,613,972 alleles (0.0015%); highest among the groups gnomAD compares: Middle Eastern, 0.016%; no homozygotes.

Submission:

Baylor Genetics
Classification: Uncertain significance for Iodotyrosyl coupling defect. Last evaluated: 2019-08-21. Review status: criteria provided, single submitter. Criteria: ACMG Guidelines, 2015. Collection method: clinical testing. Allele origin: unknown. Affected: yes.
Comment: This variant was determined to be of uncertain significance according to ACMG Guidelines, 2015 [PMID:25741868].